The following is an entry in ClinVar:

ClinVar aggregate classification (germline): Likely benign. Review status: reviewed by expert panel (3 of 4 stars). 3 submissions from 3 submitters: Likely benign (1). 2 of the submissions do not count toward it. Last evaluated 2024-07-11.

Conditions:
Hereditary thrombocytopenia and hematological cancer predisposition syndrome associated with RUNX1. Also called: Familial Platelet Disorder with Propensity to Acute Myelogenous Leukemia; Familial thrombocytopenia with propensity to acute myelogenous leukemia; RUNX1 Familial Platelet Disorder with Associated Myeloid Malignancies; PLATELET DISORDER, ASPIRIN-LIKE. Identifiers: Orphanet 71290, MedGen C1832388, MeSH C563324, MONDO:0100083, OMIM 601399.
Inborn genetic diseases. Identifiers: MedGen C0950123, MeSH D030342.
Hereditary thrombocytopenia and hematologic cancer predisposition syndrome. Identifiers: Orphanet 71290, MedGen CN281654, MONDO:0011071.

Submissions (3):

ClinGen Myeloid Malignancy Variant Curation Expert Panel
Classification: Likely benign for Hereditary thrombocytopenia and hematologic cancer predisposition syndrome. Last evaluated: 2024-07-11. Review status: reviewed by expert panel. Criteria: ClinGen MyeloMalig ACMG Specifications v2. Collection method: curation. Allele origin: germline. Inheritance: Autosomal dominant inheritance.
Comment: NM_001754.5(RUNX1):c.1119G>A (p.Ser373=) is a synonymous variant which is not predicted by SpliceAI to impact splicing (BP4); in addition, an evolutionary conservation algorithm predicts the site as being non-conserved (PhyloP score = -0.00400787 in GRCh38), and the variant allele is the reference nucleotide in one primate and/or three mammal species (BP7). Although the variant is absent from gnomAD v2 and v3 (PM2_supporting), it also has not been reported in cases or the literature. In summary, this variant meets the criteria to be classified as likely benign for hereditary thrombocytopenia and hematologic cancer predisposition syndrome based on the ACMG/AMP criteria applied, as specified by the ClinGen Myeloid Malignancy VCEP: BP4, BP7, PM2_supporting.

Ambry Genetics
Classification: Likely benign for Inborn genetic diseases. Last evaluated: 2025-11-07. Review status: criteria provided, single submitter. Criteria: Ambry Variant Classification Scheme 2023. Collection method: clinical testing. Allele origin: germline. Not counted in ClinVar's aggregate classification.

Labcorp Genetics (formerly Invitae), Labcorp
Classification: Likely benign for Hereditary thrombocytopenia and hematological cancer predisposition syndrome associated with RUNX1. Last evaluated: 2022-09-01. Review status: criteria provided, single submitter. Criteria: Invitae Variant Classification Sherloc (09022015). Collection method: clinical testing. Allele origin: germline. Not counted in ClinVar's aggregate classification.

NM_001754.5(RUNX1):c.1119G>A (p.Ser373=)

Gene: RUNX1 (RUNX family transcription factor 1; minus strand). Cytogenetic location: 21q22.12.
Variant type: single nucleotide variant.
Coding change: c.1119G>A on transcript NM_001754.5 (MANE Select); coding-DNA position 1119, G replaced by A.
Protein change: p.Ser373=; no amino-acid change (serine 373 retained).
Molecular consequence: synonymous variant.
Genome position (GRCh38, 1-based): chr21:34,792,459, C>T on the plus strand (G>A on the coding strand, the complement: RUNX1 is on the minus strand). VCF-style: chr21-34792459-C-T. GRCh37 (hg19) VCF-style: chr21-36164756-C-T.
Other names: NM_001754.5(RUNX1):c.1119G>A; p.Ser373=; c.1038G>A, p.Ser346= (NM_001001890.3); c.1119G>A (NM_001754.4).
Identifiers: ClinVar variation 1430658 (VCV001430658.8), dbSNP rs766678402, ClinGen allele CA512341295.